The following is an entry in ClinVar:

ClinVar aggregate classification (germline): Uncertain significance (1 of 4 stars; one submission).

Conditions:
Autosomal dominant epilepsy with auditory features. Identifiers: Orphanet 101046, MedGen C1838062, MONDO:0010898.

Allele frequency attached by ClinVar (database versions not stated): gnomAD exomes 0.00001.
gnomAD v4.1: 3 of 1,614,170 alleles (0.00019%); highest among the groups gnomAD compares: Non-Finnish European, 0.00025%; no homozygotes.

Submission:

Labcorp Genetics (formerly Invitae), Labcorp
Classification: Uncertain significance for Autosomal dominant epilepsy with auditory features. Last evaluated: 2022-03-18. Review status: criteria provided, single submitter. Criteria: Invitae Variant Classification Sherloc (09022015). Collection method: clinical testing. Allele origin: germline.
Comment: This sequence change replaces valine, which is neutral and non-polar, with methionine, which is neutral and non-polar, at codon 478 of the LGI1 protein (p.Val478Met). This variant is not present in population databases (gnomAD no frequency). This variant has not been reported in the literature in individuals affected with LGI1-related conditions. Algorithms developed to predict the effect of missense changes on protein structure and function are either unavailable or do not agree on the potential impact of this missense change (SIFT: "Deleterious"; PolyPhen-2: "Probably Damaging"; Align-GVGD: "Class C0"). In summary, the available evidence is currently insufficient to determine the role of this variant in disease. Therefore, it has been classified as a Variant of Uncertain Significance.

NM_005097.4(LGI1):c.1432G>A (p.Val478Met)

Gene: LGI1 (leucine rich glioma inactivated 1; plus strand). Cytogenetic location: 10q23.33.
Variant type: single nucleotide variant.
Coding change: c.1432G>A on transcript NM_005097.4 (MANE Select); coding-DNA position 1432, G replaced by A.
Protein change: p.Val478Met; replaces valine 478 with methionine.
Molecular consequence: missense variant. On other transcripts: non-coding transcript variant (1), intron variant (1).
Genome position (GRCh38, 1-based): chr10:93,797,561, G>A. VCF-style: chr10-93797561-G-A. GRCh37 (hg19) VCF-style: chr10-95557318-G-A.
Other names: c.1288G>A, p.Val430Met (NM_001308276.2); c.839-188G>A (NM_001308275.2); short protein forms V430M, V478M.
Identifiers: ClinVar variation 2113467 (VCV002113467.4), dbSNP rs1305066637, ClinGen allele CA377629618.